The following is an entry in ClinVar:

NM_014639.4(SKIC3):c.3885G>T (p.Lys1295Asn)

Gene: SKIC3 (SKI3 subunit of superkiller complex; minus strand). Cytogenetic location: 5q15.
Variant type: single nucleotide variant.
Coding change: c.3885G>T on transcript NM_014639.4 (MANE Select); coding-DNA position 3885, G replaced by T.
Protein change: p.Lys1295Asn; replaces lysine 1295 with asparagine.
Molecular consequence: missense variant.
Genome position (GRCh38, 1-based): chr5:95,490,954, C>A on the plus strand (G>T on the coding strand, the complement: SKIC3 is on the minus strand). VCF-style: chr5-95490954-C-A. GRCh37 (hg19) VCF-style: chr5-94826658-C-A.
Other names: short protein forms K1295N.
Identifiers: ClinVar variation 626198 (VCV000626198.3), dbSNP rs892221746, ClinGen allele CA360447746.

ClinVar aggregate classification (germline): Uncertain significance (1 of 4 stars; one submission).

Submission:

Center for Genomics, Ann and Robert H. Lurie Children's Hospital of Chicago
Classification: Uncertain significance. Last evaluated: 2021-11-23. Review status: criteria provided, single submitter. Criteria: ACMG Guidelines, 2015. Collection method: clinical testing. Allele origin: germline.
Comment: TTC37 NM_014639 exon 37 p.Lys1295Asn (c.3885G>T): This variant has not been reported in the literature but is present in 1/30778 South Asian alleles in the Genome Aggregation Database. Evolutionary conservation and computational predictive tools for this variant are unclear. In summary, data on this variant is insufficient for disease classification. Therefore, the clinical significance of this variant is uncertain.